The following is an entry in ClinVar:

NM_001013736.3(FAM47C):c.2457C>T (p.Thr819=)

Gene: FAM47C (family with sequence similarity 47 member C; plus strand). Cytogenetic location: Xp21.1.
Variant type: single nucleotide variant.
Coding change: c.2457C>T on transcript NM_001013736.3 (MANE Select); coding-DNA position 2457, C replaced by T.
Protein change: p.Thr819=; no amino-acid change (threonine 819 retained).
Molecular consequence: synonymous variant.
Genome position (GRCh38, 1-based): chrX:37,010,867, C>T. VCF-style: chrX-37010867-C-T. GRCh37 (hg19) VCF-style: chrX-37028940-C-T.
Identifiers: ClinVar variation 2660275 (VCV002660275.24), dbSNP rs782603504, ClinGen allele CA10383057.

ClinVar aggregate classification (germline): Likely benign (1 of 4 stars; one submission).

Allele frequency attached by ClinVar (database versions not stated): TOPMed below 0.00001; ExAC 0.00002.

Submission:

CeGaT Center for Human Genetics Tuebingen
Classification: Likely benign. Last evaluated: 2022-10-01. Review status: criteria provided, single submitter. Criteria: CeGaT Center For Human Genetics Tuebingen Variant Classification Criteria Version 2. Collection method: clinical testing. Allele origin: germline. Affected: yes. Observed: 1 variant allele.
Comment: FAM47C: BP4, BP7